The following is an entry in ClinVar:

NM_014915.3(ANKRD26):c.4867A>G (p.Arg1623Gly)

Gene: ANKRD26 (ankyrin repeat domain 26; minus strand). Cytogenetic location: 10p12.1.
Variant type: single nucleotide variant.
Coding change: c.4867A>G on transcript NM_014915.3 (MANE Select); coding-DNA position 4867, A replaced by G.
Protein change: p.Arg1623Gly; replaces arginine 1623 with glycine.
Molecular consequence: missense variant.
Genome position (GRCh38, 1-based): chr10:27,012,968, T>C on the plus strand (A>G on the coding strand, the complement: ANKRD26 is on the minus strand). VCF-style: chr10-27012968-T-C. GRCh37 (hg19) VCF-style: chr10-27301897-T-C.
Other names: c.4864A>G, p.Arg1622Gly (NM_001256053.2); short protein forms R1622G, R1623G.
Identifiers: ClinVar variation 3718978 (VCV003718978.3).

ClinVar aggregate classification (germline): Uncertain significance. Review status: criteria provided, multiple submitters, no conflicts (2 of 4 stars). 2 submissions from 2 submitters: Uncertain significance (2). Last evaluated 2025-03-27.

Conditions:
Inborn genetic diseases. Identifiers: MedGen C0950123, MeSH D030342.

gnomAD v4.1: 3 of 1,614,134 alleles (0.00019%); highest among the groups gnomAD compares: Non-Finnish European, 0.00025%; no homozygotes.

Submissions (2):

Ambry Genetics
Classification: Uncertain significance for Inborn genetic diseases. Last evaluated: 2025-03-27. Review status: criteria provided, single submitter. Criteria: Ambry Variant Classification Scheme 2023. Collection method: clinical testing. Allele origin: germline.
Comment: The p.R1623G variant (also known as c.4867A>G), located in coding exon 32 of the ANKRD26 gene, results from an A to G substitution at nucleotide position 4867. The arginine at codon 1623 is replaced by glycine, an amino acid with dissimilar properties. This amino acid position is conserved. In addition, this alteration is predicted to be tolerated by in silico analysis. Based on the available evidence, the clinical significance of this variant remains unclear.

Labcorp Genetics (formerly Invitae), Labcorp
Classification: Uncertain significance. Last evaluated: 2024-07-22. Review status: criteria provided, single submitter. Criteria: Invitae Variant Classification Sherloc (09022015). Collection method: clinical testing. Allele origin: germline.
Comment: This sequence change replaces arginine, which is basic and polar, with glycine, which is neutral and non-polar, at codon 1623 of the ANKRD26 protein (p.Arg1623Gly). This variant is not present in population databases (gnomAD no frequency). This variant has not been reported in the literature in individuals affected with ANKRD26-related conditions. An algorithm developed to predict the effect of missense changes on protein structure and function outputs the following: PolyPhen-2: "Benign". The glycine amino acid residue is found in multiple mammalian species, which suggests that this missense change does not adversely affect protein function. In summary, the available evidence is currently insufficient to determine the role of this variant in disease. Therefore, it has been classified as a Variant of Uncertain Significance.